The following is an entry in ClinVar:

NM_000257.4(MYH7):c.5045A>G (p.Gln1682Arg)

Genes: MHRT (myosin heavy chain associated RNA transcript; plus strand), MYH7 (myosin heavy chain 7; minus strand), LOC126861897 (BRD4-independent group 4 enhancer GRCh37_chr14:23884455-23885654; plus strand). Cytogenetic location: 14q11.2.
Variant type: single nucleotide variant.
Coding change: c.5045A>G on transcript NM_000257.4 (MANE Select); coding-DNA position 5045, A replaced by G.
Protein change: p.Gln1682Arg; replaces glutamine 1682 with arginine.
Molecular consequence: missense variant. On other transcripts: non-coding transcript variant (1).
Genome position (GRCh38, 1-based): chr14:23,415,741, T>C on the plus strand (A>G on the coding strand, the complement: MYH7 is on the minus strand). VCF-style: chr14-23415741-T-C. GRCh37 (hg19) VCF-style: chr14-23884950-T-C.
Other names: c.5045A>G, p.Gln1682Arg (NM_001407004.1); short protein forms Q1682R.
Identifiers: ClinVar variation 4074698 (VCV004074698.3).

ClinVar aggregate classification (germline): Uncertain significance. Review status: criteria provided, multiple submitters, no conflicts (2 of 4 stars). 3 submissions from 3 submitters: Uncertain significance (3). Last evaluated 2026-04-14.

Conditions:
Cardiovascular phenotype. Identifiers: MedGen CN230736.
Hypertrophic cardiomyopathy. Also called: HYPERTROPHIC MYOCARDIOPATHY. Identifiers: Orphanet 217569, MedGen C0007194, MeSH D002312, MONDO:0005045, HP:0001639.

Submissions (3):

Ambry Genetics
Classification: Uncertain significance for Cardiovascular phenotype. Last evaluated: 2026-04-14. Review status: criteria provided, single submitter. Criteria: Ambry Variant Classification Scheme 2023. Collection method: clinical testing. Allele origin: germline.
Comment: The p.Q1682R variant (also known as c.5045A>G), located in coding exon 33 of the MYH7 gene, results from an A to G substitution at nucleotide position 5045. The glutamine at codon 1682 is replaced by arginine, an amino acid with highly similar properties. This amino acid position is conserved. In addition, the in silico prediction for this alteration is inconclusive. Based on the available evidence, the clinical significance of this variant remains unclear.

Labcorp Genetics (formerly Invitae), Labcorp
Classification: Uncertain significance for Hypertrophic cardiomyopathy. Last evaluated: 2025-03-20. Review status: criteria provided, single submitter. Criteria: Invitae Variant Classification Sherloc (09022015). Collection method: clinical testing. Allele origin: germline.
Comment: This sequence change replaces glutamine, which is neutral and polar, with arginine, which is basic and polar, at codon 1682 of the MYH7 protein (p.Gln1682Arg). This variant is not present in population databases (gnomAD no frequency). This variant has not been reported in the literature in individuals affected with MYH7-related conditions. Invitae Evidence Modeling of protein sequence and biophysical properties (such as structural, functional, and spatial information, amino acid conservation, physicochemical variation, residue mobility, and thermodynamic stability) indicates that this missense variant is expected to disrupt MYH7 protein function with a positive predictive value of 95%. In summary, the available evidence is currently insufficient to determine the role of this variant in disease. Therefore, it has been classified as a Variant of Uncertain Significance.

GeneDx
Classification: Uncertain significance. Last evaluated: 2025-02-09. Review status: criteria provided, single submitter. Criteria: GeneDx Variant Classification Process June 2021. Collection method: clinical testing. Allele origin: germline. Affected: yes.
Comment: Not observed at significant frequency in large population cohorts (gnomAD); In silico analysis indicates that this missense variant does not alter protein structure/function; Has not been previously published as pathogenic or benign to our knowledge